The following is an entry in ClinVar:

ClinVar aggregate classification (germline): Likely benign (1 of 4 stars; one submission).

Allele frequency attached by ClinVar (database versions not stated): 1000 Genomes Project 0.00319; 1000 Genomes Project 30x 0.00359; gnomAD 0.00471.
gnomAD v4.1: 1,346 of 1,607,184 alleles (0.084%); highest among the groups gnomAD compares: African/African-American, 1.6%; 7 homozygotes.

Submission:

GeneDx
Classification: Likely benign. Last evaluated: 2020-03-15. Review status: criteria provided, single submitter. Criteria: GeneDx Variant Classification Process June 2021. Collection method: clinical testing. Allele origin: germline. Affected: yes.
Comment: See Variant Classification Assertion Criteria.

NM_000213.5(ITGB4):c.739-59C>T

Gene: ITGB4 (integrin subunit beta 4; plus strand). Cytogenetic location: 17q25.1.
Variant type: single nucleotide variant.
Coding change: c.739-59C>T on transcript NM_000213.5 (MANE Select); 59 bases into the intron before coding-DNA position 739, C replaced by T.
Molecular consequence: intron variant.
Genome position (GRCh38, 1-based): chr17:75,730,182, C>T. VCF-style: chr17-75730182-C-T. GRCh37 (hg19) VCF-style: chr17-73726263-C-T.
Other names: c.739-59C>T (NM_001005619.2, NM_001005731.3, NM_001438834.1 and 1 more transcripts).
Identifiers: ClinVar variation 1707293 (VCV001707293.2), dbSNP rs114786416, ClinGen allele CA294060361.